The following is an entry in ClinVar:

NM_000548.5(TSC2):c.2829A>T (p.Arg943Ser)

Gene: TSC2 (TSC complex subunit 2; plus strand). Cytogenetic location: 16p13.3.
Variant type: single nucleotide variant.
Coding change: c.2829A>T on transcript NM_000548.5 (MANE Select); coding-DNA position 2829, A replaced by T.
Protein change: p.Arg943Ser; replaces arginine 943 with serine.
Molecular consequence: missense variant. On other transcripts: non-coding transcript variant (5).
Genome position (GRCh38, 1-based): chr16:2,076,577, A>T. VCF-style: chr16-2076577-A-T. GRCh37 (hg19) VCF-style: chr16-2126578-A-T.
Other names: c.1485A>T, p.Arg495Ser (NM_001406689.1, NM_001406690.1, NM_001406691.1 and 6 more transcripts); c.1227A>T, p.Arg409Ser (NM_001406698.1); c.2829A>T, p.Arg943Ser (NM_021055.3, NM_001077183.3, NM_001114382.3 and 6 more transcripts); c.2682A>T, p.Arg894Ser (NM_001406679.1, NM_001406675.1, NM_001406676.1 and 1 more transcripts); c.2229A>T, p.Arg743Ser (NM_001406680.1, NM_001406682.1, NM_001406683.1 and 6 more transcripts); c.2367A>T, p.Arg789Ser (NM_001406681.1); c.2718A>T, p.Arg906Ser (NM_001406670.1, NM_001406678.1, NM_001318827.2); c.2817A>T, p.Arg939Ser (NM_001406671.1, NM_001406673.1); and 3 more; short protein forms R906S, R924S, R939S, R973S, R743S, R789S, R894S, R943S.
Identifiers: ClinVar variation 3637212 (VCV003637212.2).

ClinVar aggregate classification (germline): Uncertain significance (1 of 4 stars; one submission).

Conditions:
Tuberous sclerosis 2 (TSC2). Identifiers: Orphanet 805, MedGen C1860707, MONDO:0013199, OMIM 613254.

Submission:

Labcorp Genetics (formerly Invitae), Labcorp
Classification: Uncertain significance for Tuberous sclerosis 2. Last evaluated: 2024-10-15. Review status: criteria provided, single submitter. Criteria: Invitae Variant Classification Sherloc (09022015). Collection method: clinical testing. Allele origin: germline.
Comment: This sequence change replaces arginine, which is basic and polar, with serine, which is neutral and polar, at codon 943 of the TSC2 protein (p.Arg943Ser). This variant is not present in population databases (gnomAD no frequency). This variant has not been reported in the literature in individuals affected with TSC2-related conditions. Invitae Evidence Modeling of protein sequence and biophysical properties (such as structural, functional, and spatial information, amino acid conservation, physicochemical variation, residue mobility, and thermodynamic stability) indicates that this missense variant is not expected to disrupt TSC2 protein function with a negative predictive value of 95%. In summary, the available evidence is currently insufficient to determine the role of this variant in disease. Therefore, it has been classified as a Variant of Uncertain Significance.